The following is an entry in ClinVar:

ClinVar aggregate classification (germline): Conflicting classifications of pathogenicity. Review status: criteria provided, conflicting classifications (1 of 4 stars). 3 submissions from 3 submitters: Uncertain significance (1); Likely benign (1). 1 of the submissions does not count toward it. Last evaluated 2024-09-29.

Conditions:
SPTA1-related disorder. Also called: SPTA1-related condition; SPTA1-related disorders.

Allele frequency attached by ClinVar (database versions not stated): gnomAD 0.00001; gnomAD exomes 0.00001; TOPMed 0.00001; ExAC 0.00002.
gnomAD v4.1: 24 of 1,613,698 alleles (0.0015%); highest among the groups gnomAD compares: Non-Finnish European, 0.0019%; no homozygotes.

Submissions (3):

Labcorp Genetics (formerly Invitae), Labcorp
Classification: Likely benign. Last evaluated: 2024-09-29. Review status: criteria provided, single submitter. Criteria: Invitae Variant Classification Sherloc (09022015). Collection method: clinical testing. Allele origin: germline.

Mayo Clinic Laboratories, Mayo Clinic
Classification: Uncertain significance. Last evaluated: 2019-08-22. Review status: criteria provided, single submitter. Criteria: ACMG Guidelines, 2015. Collection method: clinical testing. Allele origin: germline. Observed: 1 variant allele.

PreventionGenetics, part of Exact Sciences
Classification: Likely benign for SPTA1-related condition. Last evaluated: 2019-07-23. Review status: no assertion criteria provided. Collection method: clinical testing. Allele origin: germline. Not counted in ClinVar's aggregate classification.
Comment: This variant is classified as likely benign based on ACMG/AMP sequence variant interpretation guidelines (Richards et al. 2015 PMID: 25741868, with internal and published modifications).

NM_003126.4(SPTA1):c.5040C>T (p.Asn1680=)

Gene: SPTA1 (spectrin alpha, erythrocytic 1; minus strand). Cytogenetic location: 1q23.1.
Variant type: single nucleotide variant.
Coding change: c.5040C>T on transcript NM_003126.4 (MANE Select); coding-DNA position 5040, C replaced by T.
Protein change: p.Asn1680=; no amino-acid change (asparagine 1680 retained).
Molecular consequence: synonymous variant.
Genome position (GRCh38, 1-based): chr1:158,638,182, G>A on the plus strand (C>T on the coding strand, the complement: SPTA1 is on the minus strand). VCF-style: chr1-158638182-G-A. GRCh37 (hg19) VCF-style: chr1-158607972-G-A.
Identifiers: ClinVar variation 1163170 (VCV001163170.9), dbSNP rs749363866, ClinGen allele CA1182441.